The following is an entry in ClinVar:

ClinVar aggregate classification (germline): Conflicting classifications of pathogenicity. Review status: criteria provided, conflicting classifications (1 of 4 stars). 3 submissions from 3 submitters: Pathogenic (1); Uncertain significance (2). Last evaluated 2026-01-22.

Conditions:
Deficiency of adenosine deaminase 2. Also called: Polyarteritis nodosa, childhoood-onset; VASCULITIS, AUTOINFLAMMATION, IMMUNODEFICIENCY, AND HEMATOLOGIC DEFECTS SYNDROME; Adenosine Deaminase 2 Deficiency. Identifiers: Orphanet 404553, MedGen C3887654, MONDO:0014306, OMIM 615688, MONDO:0100317.

Allele frequency attached by ClinVar (database versions not stated): gnomAD 0.00001; ExAC 0.00002; gnomAD exomes 0.00002 and 0.00003; TOPMed 0.00002.
gnomAD v4.1: 39 of 1,613,954 alleles (0.0024%); highest among the groups gnomAD compares: Middle Eastern, 0.016%; no homozygotes.

Submissions (3):

Labcorp Genetics (formerly Invitae), Labcorp
Classification: Pathogenic for Deficiency of adenosine deaminase 2. Last evaluated: 2026-01-22. Review status: criteria provided, single submitter. Criteria: Invitae Variant Classification Sherloc (09022015). Collection method: clinical testing. Allele origin: germline.
Comment: This sequence change replaces isoleucine, which is neutral and non-polar, with threonine, which is neutral and polar, at codon 93 of the ADA2 protein (p.Ile93Thr). The frequency data for this variant in the population databases is considered unreliable, as metrics indicate poor data quality at this position in the gnomAD database. This missense change has been observed in individual(s) with clinical features of deficiency of adenosine deaminase 2 (DADA2) (PMID: 24552284, 33529688, 33815380, 36807221). In at least one individual the data is consistent with being in trans (on the opposite chromosome) from a pathogenic variant. ClinVar contains an entry for this variant (Variation ID: 541730). Invitae Evidence Modeling of protein sequence and biophysical properties (such as structural, functional, and spatial information, amino acid conservation, physicochemical variation, residue mobility, and thermodynamic stability) has been performed for this missense variant. However, the output from this modeling did not meet the statistical confidence thresholds required to predict the impact of this variant on ADA2 protein function. Experimental studies have shown that this missense change affects ADA2 function (PMID: 34004258). For these reasons, this variant has been classified as Pathogenic.

Mayo Clinic Laboratories, Mayo Clinic
Classification: Uncertain significance. Last evaluated: 2020-03-17. Review status: criteria provided, single submitter. Criteria: ACMG Guidelines, 2015. Collection method: clinical testing. Allele origin: germline. Observed: 1 variant allele.

Neuberg Centre For Genomic Medicine, NCGM
Classification: Uncertain significance for Deficiency of adenosine deaminase 2. Review status: criteria provided, single submitter. Criteria: ACMG Guidelines, 2015. Collection method: clinical testing. Allele origin: germline. Inheritance: Autosomal recessive inheritance. Affected: yes.
Comment: The missense variant c.278T>C (p.Ile93Thr) in ADA2 gene has not been reported previously as a pathogenic variant nor as a benign variant, to our knowledge. This variant has been reported to the ClinVar database as Uncertain_significance (VUS). This variant is present in population databases (ExAC 0.01%). This sequence change replaces isoleucine with threonine at codon 93 of the ADA2 protein (p.Ile93Thr). The isoleucine residue is highly conserved and there is a moderate physicochemical difference between isoleucine and threonine. For these reasons, this variant has been classified as Uncertain Significance (VUS).

Literature cited by the submitters: PubMed 24552284 (cited by Labcorp Genetics (formerly Invitae), Labcorp); PubMed 33529688 (cited by Labcorp Genetics (formerly Invitae), Labcorp); PubMed 33815380 (cited by Labcorp Genetics (formerly Invitae), Labcorp); PubMed 36807221 (cited by Labcorp Genetics (formerly Invitae), Labcorp); PubMed 34004258 (cited by Labcorp Genetics (formerly Invitae), Labcorp).

NM_001282225.2(ADA2):c.278T>C (p.Ile93Thr)

Gene: ADA2 (adenosine deaminase 2; minus strand). Cytogenetic location: 22q11.1.
Variant type: single nucleotide variant.
Coding change: c.278T>C on transcript NM_001282225.2 (MANE Select); coding-DNA position 278, T replaced by C.
Protein change: p.Ile93Thr; replaces isoleucine 93 with threonine.
Molecular consequence: missense variant. On other transcripts: intron variant (1).
Genome position (GRCh38, 1-based): chr22:17,209,400, A>G on the plus strand (T>C on the coding strand, the complement: ADA2 is on the minus strand). VCF-style: chr22-17209400-A-G. GRCh37 (hg19) VCF-style: chr22-17690290-A-G.
Other names: c.278T>C, p.Ile93Thr (NM_001282226.2); c.152T>C, p.Ile51Thr (NM_001282227.2, NM_001282228.2); c.-38-2110T>C (NM_001282229.2); short protein forms I93T, I51T.
Identifiers: ClinVar variation 541730 (VCV000541730.12), dbSNP rs767399919, ClinGen allele CA10088289.